The following is an entry in ClinVar:

NM_000350.3(ABCA4):c.6031C>T (p.His2011Tyr)

Gene: ABCA4 (ATP binding cassette subfamily A member 4; minus strand). Cytogenetic location: 1p22.1.
Variant type: single nucleotide variant.
Coding change: c.6031C>T on transcript NM_000350.3 (MANE Select); coding-DNA position 6031, C replaced by T.
Protein change: p.His2011Tyr; replaces histidine 2011 with tyrosine.
Molecular consequence: missense variant.
Genome position (GRCh38, 1-based): chr1:94,005,557, G>A on the plus strand (C>T on the coding strand, the complement: ABCA4 is on the minus strand). VCF-style: chr1-94005557-G-A. GRCh37 (hg19) VCF-style: chr1-94471113-G-A.
Other names: c.5809C>T, p.His1937Tyr (NM_001425324.1); short protein forms H2011Y, H1937Y.
Identifiers: ClinVar variation 390466 (VCV000390466.2), dbSNP rs1057523778, ClinGen allele CA16603795.
Genomic context (GRCh38, chr1:94,005,557, plus strand): 5'-CTCGTCCTGTGAGCAGCTCATCAATTGCATCAAACTGAGGACAGTAGCCCATATTTTGAT[G>A]GACTTCAGAAATATTGGTTAAAATACTGCAAGAAAAAAAGCAATTACTGAGTATCCTTCA-3'
Protein context (NP_000341.2, residues 2001-2021): KSILTNISEV[His2011Tyr]QNMGYCPQFD

ClinVar aggregate classification (germline): Uncertain significance (1 of 4 stars; one submission).

Submission:

GeneDx
Classification: Uncertain significance. Last evaluated: 2017-10-05. Review status: criteria provided, single submitter. Criteria: GeneDx Variant Classification (06012015). Collection method: clinical testing. Allele origin: germline. Affected: yes.
Comment: The H2011Y variant in the ABCA4 gene has not been reported previously as a pathogenic variant, nor as a benign variant, to our knowledge. The H2011Y variant was not observed in large population cohorts (Lek et al., 2016). The H2011Y variant is a non-conservative amino acid substitution, which is likely to impact secondary protein structure as these residues differ in polarity, charge, size and/or other properties. This substitution occurs at a position where amino acids with similar properties to Histidine are tolerated across species. In silico analysis predicts this variant is probably damaging to the protein structure/function. We interpret H2011Y as a variant of uncertain significance.